The following is an entry in ClinVar:

ClinVar aggregate classification (germline): Uncertain significance (1 of 4 stars; one submission).

Conditions:
Spastic paraplegia. Identifiers: MedGen C0037772, HP:0001258.

Submission:

Labcorp Genetics (formerly Invitae), Labcorp
Classification: Uncertain significance for Spastic paraplegia. Last evaluated: 2019-12-13. Review status: criteria provided, single submitter. Criteria: Invitae Variant Classification Sherloc (09022015). Collection method: clinical testing. Allele origin: germline.
Comment: This variant results in a copy number gain of the genomic region encompassing exons 15-42 of the ZFYVE26 gene. The 5' boundary is likely confined to intron 14. The 3' end of this event is unknown as it extends beyond the assayed region for this gene and therefore may encompass additional genes. As the precise location of this event is unknown, it may be in tandem or it may be located elsewhere in the genome. In summary, the available evidence is currently insufficient to determine the role of this variant in disease. Therefore, it has been classified as a Variant of Uncertain Significance. This variant has not been reported in the literature in individuals with ZFYVE26-related conditions.

NC_000014.9:g.(?_67748426)_(67790783_?)dup

Gene: ZFYVE26 (zinc finger FYVE-type containing 26; minus strand). Cytogenetic location: 14q24.1.
Variant type: Duplication.
Identifiers: ClinVar variation 831443 (VCV000831443.6).